The following is an entry in ClinVar:

ClinVar aggregate classification (germline): Uncertain significance. Review status: criteria provided, multiple submitters, no conflicts (2 of 4 stars). 2 submissions from 2 submitters: Uncertain significance (2). Last evaluated 2025-08-14.

Allele frequency attached by ClinVar (database versions not stated): TOPMed below 0.00001; gnomAD 0.00001; gnomAD exomes 0.00001.
gnomAD v4.1: 9 of 1,613,848 alleles (0.00056%); highest among the groups gnomAD compares: Non-Finnish European, 0.00076%; no homozygotes.

Submissions (2):

Labcorp Genetics (formerly Invitae), Labcorp
Classification: Uncertain significance. Last evaluated: 2025-08-14. Review status: criteria provided, single submitter. Criteria: Invitae Variant Classification Sherloc (09022015). Collection method: clinical testing. Allele origin: germline.
Comment: This sequence change replaces proline, which is neutral and non-polar, with leucine, which is neutral and non-polar, at codon 454 of the MTMR14 protein (p.Pro454Leu). This variant is present in population databases (no rsID available, gnomAD 0.007%). This variant has not been reported in the literature in individuals affected with MTMR14-related conditions. ClinVar contains an entry for this variant (Variation ID: 2909056). Invitae Evidence Modeling of protein sequence and biophysical properties (such as structural, functional, and spatial information, amino acid conservation, physicochemical variation, residue mobility, and thermodynamic stability) indicates that this missense variant is not expected to disrupt MTMR14 protein function with a negative predictive value of 80%. In summary, the available evidence is currently insufficient to determine the role of this variant in disease. Therefore, it has been classified as a Variant of Uncertain Significance.

Women's Health and Genetics/Laboratory Corporation of America, LabCorp
Classification: Uncertain significance. Last evaluated: 2025-02-25. Review status: criteria provided, single submitter. Criteria: LabCorp Variant Classification Summary - May 2015. Collection method: clinical testing. Allele origin: germline.
Comment: Variant summary: MTMR14 c.1361C>T (p.Pro454Leu) results in a non-conservative amino acid change in the encoded protein sequence. Three of five in-silico tools predict a damaging effect of the variant on protein function. The frequency data for this variant in gnomAD is considered unreliable, as metrics indicate poor data quality at this position. c.1361C>T has been reported in the literature in individuals affected with macular degeneration (Yu_2014). These reports does not provide unequivocal conclusions about association of the variant with Autosomal dominant centronuclear myopathy. To our knowledge, no experimental evidence demonstrating an impact on protein function has been reported. The following publication have been ascertained in the context of this evaluation (PMID: 24847005). ClinVar contains an entry for this variant (Variation ID: 2909056). Based on the evidence outlined above, the variant was classified as uncertain significance.

Literature cited by the submitters: PubMed 24847005 (cited by Women's Health and Genetics/Laboratory Corporation of America, LabCorp).

NM_001077525.3(MTMR14):c.1361C>T (p.Pro454Leu)

Gene: MTMR14 (myotubularin related protein 14; plus strand). Cytogenetic location: 3p25.3.
Variant type: single nucleotide variant.
Coding change: c.1361C>T on transcript NM_001077525.3 (MANE Select); coding-DNA position 1361, C replaced by T.
Protein change: p.Pro454Leu; replaces proline 454 with leucine.
Molecular consequence: missense variant. On other transcripts: non-coding transcript variant (9).
Genome position (GRCh38, 1-based): chr3:9,689,010, C>T. VCF-style: chr3-9689010-C-T. GRCh37 (hg19) VCF-style: chr3-9730694-C-T.
Other names: c.1361C>T, p.Pro454Leu (NM_001077526.3, NM_022485.5); c.1430C>T, p.Pro477Leu (NM_001400518.1, NM_001400521.1); c.1358C>T, p.Pro453Leu (NM_001400519.1, NM_001400522.1); c.1286C>T, p.Pro429Leu (NM_001400520.1, NM_001400523.1, NM_001400528.1); c.1115C>T, p.Pro372Leu (NM_001400524.1, NM_001400527.1, NM_001400530.1); c.1079C>T, p.Pro360Leu (NM_001400525.1, NM_001400529.1, NM_001400532.1); c.1355C>T, p.Pro452Leu (NM_001400526.1); c.1112C>T, p.Pro371Leu (NM_001400531.1); and 5 more; short protein forms P240L, P360L, P454L, P372L, P429L, P453L, P167L, P335L.
Identifiers: ClinVar variation 2909056 (VCV002909056.4), dbSNP rs1293791514, ClinGen allele CA351699008.
Genomic context (GRCh38, chr3:9,689,010, plus strand): 5'-AGGACCGTGGCAGCACCACCAGCCTTGGCAGCGACTTCTCCCTGGTCATGGAGAGTTCCC[C>T]AGGAGCCACTGGGAGCTTCACCTATGAGGCCGTGGAGCTGGTCCCAGCAGGAGCGCCAAC-3'
Protein context (NP_001070993.1, residues 444-464): SDFSLVMESS[Pro454Leu]GATGSFTYEA